The following is an entry in ClinVar:

NM_000214.3(JAG1):c.1769G>A (p.Gly590Glu)

Gene: JAG1 (jagged canonical Notch ligand 1; minus strand). Cytogenetic location: 20p12.2.
Variant type: single nucleotide variant.
Coding change: c.1769G>A on transcript NM_000214.3 (MANE Select); coding-DNA position 1769, G replaced by A.
Protein change: p.Gly590Glu; replaces glycine 590 with glutamic acid.
Molecular consequence: missense variant.
Genome position (GRCh38, 1-based): chr20:10,647,055, C>T on the plus strand (G>A on the coding strand, the complement: JAG1 is on the minus strand). VCF-style: chr20-10647055-C-T. GRCh37 (hg19) VCF-style: chr20-10627703-C-T.
Other names: short protein forms G590E.
Identifiers: ClinVar variation 3531159 (VCV003531159.1).
Genomic context (GRCh38, chr20:10,647,055, plus strand): 5'-CCCGACTGACTCTTGCACTTCCCGTGAGGACCACAGACGTTGGAGGAAATATACCGCACC[C>T]CTTCAGGTGTGTCGTTGGAAGCCATGGCCACTGTGCAGCTGTCAATCACTAGAAGATAGG-3'
Protein context (NP_000205.1, residues 580-600): VAMASNDTPE[Gly590Glu]VRYISSNVCG

ClinVar aggregate classification (germline): Uncertain significance (1 of 4 stars; one submission).

Conditions:
Cardiovascular phenotype. Identifiers: MedGen CN230736.

Submission:

Ambry Genetics
Classification: Uncertain significance for Cardiovascular phenotype. Last evaluated: 2024-08-11. Review status: criteria provided, single submitter. Criteria: Ambry Variant Classification Scheme 2023. Collection method: clinical testing. Allele origin: germline.
Comment: The p.G590E variant (also known as c.1769G>A), located in coding exon 14 of the JAG1 gene, results from a G to A substitution at nucleotide position 1769. The glycine at codon 590 is replaced by glutamic acid, an amino acid with similar properties. This amino acid position is conserved. In addition, this alteration is predicted to be deleterious by in silico analysis. Based on the available evidence, the clinical significance of this variant remains unclear.